The following is an entry in ClinVar:

NM_015909.4(NBAS):c.2194T>C (p.Tyr732His)

Gene: NBAS (NBAS subunit of NRZ tethering complex; minus strand). Cytogenetic location: 2p24.3.
Variant type: single nucleotide variant.
Coding change: c.2194T>C on transcript NM_015909.4 (MANE Select); coding-DNA position 2194, T replaced by C.
Protein change: p.Tyr732His; replaces tyrosine 732 with histidine.
Molecular consequence: missense variant. On other transcripts: non-coding transcript variant (1).
Genome position (GRCh38, 1-based): chr2:15,461,695, A>G on the plus strand (T>C on the coding strand, the complement: NBAS is on the minus strand). VCF-style: chr2-15461695-A-G. GRCh37 (hg19) VCF-style: chr2-15601819-A-G.
Other names: short protein forms Y732H.
Identifiers: ClinVar variation 2127351 (VCV002127351.4), dbSNP rs2528078657, ClinGen allele CA345881067.

ClinVar aggregate classification (germline): Uncertain significance (1 of 4 stars; one submission).

Submission:

Labcorp Genetics (formerly Invitae), Labcorp
Classification: Uncertain significance. Last evaluated: 2025-03-17. Review status: criteria provided, single submitter. Criteria: Invitae Variant Classification Sherloc (09022015). Collection method: clinical testing. Allele origin: germline.
Comment: This sequence change replaces tyrosine, which is neutral and polar, with histidine, which is basic and polar, at codon 732 of the NBAS protein (p.Tyr732His). This variant is not present in population databases (gnomAD no frequency). This variant has not been reported in the literature in individuals affected with NBAS-related conditions. ClinVar contains an entry for this variant (Variation ID: 2127351). Invitae Evidence Modeling of protein sequence and biophysical properties (such as structural, functional, and spatial information, amino acid conservation, physicochemical variation, residue mobility, and thermodynamic stability) has been performed for this missense variant. However, the output from this modeling did not meet the statistical confidence thresholds required to predict the impact of this variant on NBAS protein function. In summary, the available evidence is currently insufficient to determine the role of this variant in disease. Therefore, it has been classified as a Variant of Uncertain Significance.